The following is an entry in ClinVar:

NM_001130823.3(DNMT1):c.27G>A (p.Arg9=)

Genes: DNMT1 (DNA methyltransferase 1; minus strand), LOC130063472 (ATAC-STARR-seq lymphoblastoid silent region 10057; plus strand). Cytogenetic location: 19p13.2.
Variant type: single nucleotide variant.
Coding change: c.27G>A on transcript NM_001130823.3 (MANE Select); coding-DNA position 27, G replaced by A.
Protein change: p.Arg9=; no amino-acid change (arginine 9 retained).
Molecular consequence: synonymous variant. On other transcripts: 5 prime UTR variant (1).
Genome position (GRCh38, 1-based): chr19:10,194,873, C>T on the plus strand (G>A on the coding strand, the complement: DNMT1 is on the minus strand). VCF-style: chr19-10194873-C-T. GRCh37 (hg19) VCF-style: chr19-10305549-C-T.
Other names: c.27G>A, p.Arg9= (NM_001318730.2, NM_001379.4); c.-297G>A (NM_001318731.2); c.27G>A (NM_001130823.2).
Identifiers: ClinVar variation 1150056 (VCV001150056.10), dbSNP rs1357432485, ClinGen allele CA505467698.

ClinVar aggregate classification (germline): Likely benign. Review status: criteria provided, multiple submitters, no conflicts (2 of 4 stars). 2 submissions from 2 submitters: Likely benign (2). Last evaluated 2026-02-13.

Conditions:
DNMT1-related disorder. Also called: DNMT1-related condition. Identifiers: MedGen CN381527.
Hereditary sensory neuropathy-deafness-dementia syndrome. Also called: Hereditary sensory neuropathy type IE; HSN IE; NEUROPATHY, HEREDITARY SENSORY, WITH HEARING LOSS AND DEMENTIA; Hereditary Sensory and Autonomic Neuropathy Type 1E (HSAN1E). Identifiers: Orphanet 456318, MedGen C3279885, MONDO:0013584, OMIM 614116.

Allele frequency attached by ClinVar (database versions not stated): gnomAD exomes below 0.00001 and 0.00002; gnomAD 0.00001; TOPMed 0.00002.
gnomAD v4.1: 30 of 1,611,078 alleles (0.0019%); highest among the groups gnomAD compares: Non-Finnish European, 0.0025%; no homozygotes.

Submissions (2):

PreventionGenetics, part of Exact Sciences
Classification: Likely benign for DNMT1-related condition. Last evaluated: 2026-02-13. Review status: criteria provided, single submitter. Criteria: ACMG Guidelines, 2015. Collection method: clinical testing. Allele origin: germline.
Comment: This variant is classified as likely benign based on ACMG/AMP sequence variant interpretation guidelines (Richards et al. 2015 PMID: 25741868, with internal and published modifications).

Labcorp Genetics (formerly Invitae), Labcorp
Classification: Likely benign for Hereditary sensory neuropathy-deafness-dementia syndrome. Last evaluated: 2025-03-24. Review status: criteria provided, single submitter. Criteria: Invitae Variant Classification Sherloc (09022015). Collection method: clinical testing. Allele origin: germline.